The following is an entry in ClinVar:

NM_001792.5(CDH2):c.1042A>G (p.Ile348Val)

Gene: CDH2 (cadherin 2; minus strand). Cytogenetic location: 18q12.1.
Variant type: single nucleotide variant.
Coding change: c.1042A>G on transcript NM_001792.5 (MANE Select); coding-DNA position 1042, A replaced by G.
Protein change: p.Ile348Val; replaces isoleucine 348 with valine.
Molecular consequence: missense variant.
Genome position (GRCh38, 1-based): chr18:27,993,616, T>C on the plus strand (A>G on the coding strand, the complement: CDH2 is on the minus strand). VCF-style: chr18-27993616-T-C. GRCh37 (hg19) VCF-style: chr18-25573580-T-C.
Other names: c.949A>G, p.Ile317Val (NM_001308176.2); short protein forms I317V, I348V.
Identifiers: ClinVar variation 2716316 (VCV002716316.3), dbSNP rs1274037988, ClinGen allele CA402111810.

ClinVar aggregate classification (germline): Uncertain significance (1 of 4 stars; one submission).

Allele frequency attached by ClinVar (database versions not stated): TOPMed 0.00002; gnomAD 0.00003.
gnomAD v4.1: 9 of 1,612,842 alleles (0.00056%); highest among the groups gnomAD compares: African/African-American, 0.0093%; no homozygotes.

Submission:

Labcorp Genetics (formerly Invitae), Labcorp
Classification: Uncertain significance. Last evaluated: 2025-01-23. Review status: criteria provided, single submitter. Criteria: Invitae Variant Classification Sherloc (09022015). Collection method: clinical testing. Allele origin: germline.
Comment: This sequence change replaces isoleucine, which is neutral and non-polar, with valine, which is neutral and non-polar, at codon 348 of the CDH2 protein (p.Ile348Val). This variant is present in population databases (no rsID available, gnomAD 0.01%). This variant has not been reported in the literature in individuals affected with CDH2-related conditions. ClinVar contains an entry for this variant (Variation ID: 2716316). An algorithm developed to predict the effect of missense changes on protein structure and function (PolyPhen-2) suggests that this variant is likely to be disruptive. In summary, the available evidence is currently insufficient to determine the role of this variant in disease. Therefore, it has been classified as a Variant of Uncertain Significance.